The following is an entry in ClinVar:

ClinVar aggregate classification (germline): Pathogenic. Review status: criteria provided, multiple submitters, no conflicts (2 of 4 stars). 2 submissions from 2 submitters: Pathogenic (2). Last evaluated 2026-08-01.

Conditions:
Bleeding and platelet disorders.
Non-Fanconi anemia cytopenia.

Submissions (2):

CeGaT Center for Human Genetics Tuebingen
Classification: Pathogenic. Last evaluated: 2026-08-01. Review status: criteria provided, single submitter. Criteria: CeGaT Center For Human Genetics Tuebingen Variant Classification Criteria Version 2. Collection method: clinical testing. Allele origin: germline. Affected: yes. Observed: 1 variant allele.
Comment: RPS24: PVS1, PM2

North West Genomic Laboratory Hub, Manchester University NHS Foundation Trust
Classification: Pathogenic for Bleeding and platelet disorders; Non-Fanconi anemia cytopenia. Last evaluated: 2024-12-20. Review status: criteria provided, single submitter. Criteria: ACGS Best Practice Guidelines for Variant Classification in Rare Disease 2024. Collection method: clinical testing. Allele origin: germline. Affected: yes.
Comment: PVS1_VStr PM2_Mod

NM_033022.4(RPS24):c.319C>T (p.Arg107Ter)

Gene: RPS24 (ribosomal protein S24; plus strand). Cytogenetic location: 10q22.3.
Variant type: single nucleotide variant.
Coding change: c.319C>T on transcript NM_033022.4 (MANE Select); coding-DNA position 319, C replaced by T.
Protein change: p.Arg107Ter; replaces arginine 107 with a stop codon.
Molecular consequence: nonsense.
Genome position (GRCh38, 1-based): chr10:78,037,233, C>T. VCF-style: chr10-78037233-C-T. GRCh37 (hg19) VCF-style: chr10-79796991-C-T.
Other names: c.319C>T, p.Arg107Ter (NM_001026.5, NM_001142282.2, NM_001142283.2 and 2 more transcripts); short protein forms R107*.
Identifiers: ClinVar variation 4884313 (VCV004884313.2).